The following is an entry in ClinVar:

NM_003680.4(YARS1):c.906+244C>T

Gene: YARS1 (tyrosyl-tRNA synthetase 1; minus strand). Cytogenetic location: 1p35.1.
Variant type: single nucleotide variant.
Coding change: c.906+244C>T on transcript NM_003680.4 (MANE Select); 244 bases into the intron after coding-DNA position 906, C replaced by T.
Molecular consequence: intron variant.
Genome position (GRCh38, 1-based): chr1:32,786,118, G>A on the plus strand (C>T on the coding strand, the complement: YARS1 is on the minus strand). VCF-style: chr1-32786118-G-A. GRCh37 (hg19) VCF-style: chr1-33251719-G-A.
Identifiers: ClinVar variation 679576 (VCV000679576.1), dbSNP rs75658271, ClinGen allele CA20278726.

ClinVar aggregate classification (germline): Benign (1 of 4 stars; one submission).

Allele frequency attached by ClinVar (database versions not stated): gnomAD 0.02216 and 0.02364; TOPMed 0.02504; 1000 Genomes Project 0.02536; 1000 Genomes Project 30x 0.02811.
gnomAD v4.1: 3,337 of 152,124 alleles (2.2%); highest among the groups gnomAD compares: African/African-American, 7%; 106 homozygotes.

Submission:

GeneDx
Classification: Benign. Last evaluated: 2018-06-16. Review status: criteria provided, single submitter. Criteria: GeneDx Variant Classification (06012015). Collection method: clinical testing. Allele origin: germline. Affected: yes.
Comment: This variant is considered likely benign or benign based on one or more of the following criteria: it is a conservative change, it occurs at a poorly conserved position in the protein, it is predicted to be benign by multiple in silico algorithms, and/or has population frequency not consistent with disease.